The following is an entry in ClinVar:

NM_024854.5(PYROXD1):c.649+3A>G

Gene: PYROXD1 (pyridine nucleotide-disulphide oxidoreductase domain 1; plus strand). Cytogenetic location: 12p12.1.
Variant type: single nucleotide variant.
Coding change: c.649+3A>G on transcript NM_024854.5 (MANE Select); 3 bases into the intron after coding-DNA position 649, A replaced by G.
Molecular consequence: intron variant.
Genome position (GRCh38, 1-based): chr12:21,455,295, A>G. VCF-style: chr12-21455295-A-G. GRCh37 (hg19) VCF-style: chr12-21608229-A-G.
Other names: c.-129+3A>G (NM_001350913.2); c.436+3A>G (NM_001350912.2).
Identifiers: ClinVar variation 2416219 (VCV002416219.6), dbSNP rs2540255332, ClinGen allele CA2580085237.

ClinVar aggregate classification (germline): Uncertain significance (1 of 4 stars; one submission).

Allele frequency attached by ClinVar (database versions not stated): gnomAD 0.00001.

Submission:

Labcorp Genetics (formerly Invitae), Labcorp
Classification: Uncertain significance. Last evaluated: 2022-07-23. Review status: criteria provided, single submitter. Criteria: Invitae Variant Classification Sherloc (09022015). Collection method: clinical testing. Allele origin: germline.
Comment: In summary, the available evidence is currently insufficient to determine the role of this variant in disease. Therefore, it has been classified as a Variant of Uncertain Significance. Variants that disrupt the consensus splice site are a relatively common cause of aberrant splicing (PMID: 17576681, 9536098). Algorithms developed to predict the effect of sequence changes on RNA splicing suggest that this variant is not likely to affect RNA splicing. This variant has not been reported in the literature in individuals affected with PYROXD1-related conditions. This variant is not present in population databases (gnomAD no frequency). This sequence change falls in intron 6 of the PYROXD1 gene. It does not directly change the encoded amino acid sequence of the PYROXD1 protein. It affects a nucleotide within the consensus splice site.

Literature cited by the submitters: PubMed 17576681; PubMed 9536098.